The following is an entry in ClinVar:

NM_133459.4(CCBE1):c.189A>G (p.Ser63=)

Gene: CCBE1 (collagen and calcium binding EGF domains 1; minus strand). Cytogenetic location: 18q21.32.
Variant type: single nucleotide variant.
Coding change: c.189A>G on transcript NM_133459.4 (MANE Select); coding-DNA position 189, A replaced by G.
Protein change: p.Ser63=; no amino-acid change (serine 63 retained).
Molecular consequence: synonymous variant.
Genome position (GRCh38, 1-based): chr18:59,696,652, T>C on the plus strand (A>G on the coding strand, the complement: CCBE1 is on the minus strand). VCF-style: chr18-59696652-T-C. GRCh37 (hg19) VCF-style: chr18-57363884-T-C.
Other names: c.189A>G (NM_133459.3).
Identifiers: ClinVar variation 1563115 (VCV001563115.29), dbSNP rs141422782, ClinGen allele CA8980619.

ClinVar aggregate classification (germline): Likely benign. Review status: criteria provided, multiple submitters, no conflicts (2 of 4 stars). 3 submissions from 3 submitters: Likely benign (2). 1 of the submissions does not count toward it. Last evaluated 2026-02-02.

Conditions:
CCBE1-related disorder. Also called: CCBE1-related condition.

Allele frequency attached by ClinVar (database versions not stated): gnomAD 0.00002; TOPMed 0.00002; gnomAD exomes 0.00003 and 0.00004; ExAC 0.00005; ESP Exome Variant Server 0.00008.
gnomAD v4.1: 69 of 1,613,962 alleles (0.0043%); highest among the groups gnomAD compares: South Asian, 0.021%; no homozygotes.

Submissions (3):

Labcorp Genetics (formerly Invitae), Labcorp
Classification: Likely benign. Last evaluated: 2026-02-02. Review status: criteria provided, single submitter. Criteria: Invitae Variant Classification Sherloc (09022015). Collection method: clinical testing. Allele origin: germline.

CeGaT Center for Human Genetics Tuebingen
Classification: Likely benign. Last evaluated: 2024-04-01. Review status: criteria provided, single submitter. Criteria: CeGaT Center For Human Genetics Tuebingen Variant Classification Criteria Version 2. Collection method: clinical testing. Allele origin: germline. Affected: yes. Observed: 1 variant allele.
Comment: CCBE1: BP4, BP7

PreventionGenetics, part of Exact Sciences
Classification: Likely benign for CCBE1-related condition. Last evaluated: 2020-03-06. Review status: no assertion criteria provided. Collection method: clinical testing. Allele origin: germline. Not counted in ClinVar's aggregate classification.
Comment: This variant is classified as likely benign based on ACMG/AMP sequence variant interpretation guidelines (Richards et al. 2015 PMID: 25741868, with internal and published modifications).